The following is an entry in ClinVar:

NM_023110.3(FGFR1):c.1601TGA[1] (p.Met535del)

Gene: FGFR1 (fibroblast growth factor receptor 1; minus strand). Cytogenetic location: 8p11.23.
Variant type: Microsatellite.
Coding change: c.1601TGA[1] on transcript NM_023110.3 (MANE Select); one copy of the 3-base unit TGA starting at c.1601; the reference has two copies in a row; one copy, 3 bases deleted.
Protein change: p.Met535del; deletes methionine 535.
Molecular consequence: inframe deletion.
Genome position (GRCh38, 1-based): chr8:38,417,363-38,417,365, TCA deleted on the plus strand (TGA on the coding strand, the reverse complement: FGFR1 is on the minus strand); deleting any 3 consecutive bases within chr8:38,417,363-38,417,370 gives the same sequence; the position shown is the placement nearest the transcript's 3' end. VCF-style (leftmost placement, unchanged base first): chr8-38417362-TTCA-T. GRCh37 (hg19) VCF-style: chr8-38274880-TTCA-T.
Other names: c.1595TGA[1], p.Met533del (NM_001174063.2, NM_001174065.2, NM_001354367.2 and 1 more transcripts); c.1571TGA[1], p.Met525del (NM_001174064.2); c.1334TGA[1], p.Met446del (NM_001174066.2, NM_023105.3); c.1694TGA[1], p.Met566del (NM_001174067.2); c.1322TGA[1], p.Met442del (NM_001354368.2); c.1589TGA[1], p.Met531del (NM_001354369.2); c.1328TGA[1], p.Met444del (NM_001354370.2, NM_023106.3); c.1604_1606delTGA (NM_023110.2); short protein forms M535del, M442del, M446del, M444del, M531del, M533del, M525del, M566del.
Identifiers: ClinVar variation 449023 (VCV000449023.4), dbSNP rs1554551657, ClinGen allele CA658656018.

ClinVar aggregate classification (germline): Pathogenic/Likely pathogenic. Review status: criteria provided, multiple submitters, no conflicts (2 of 4 stars). 2 submissions from 2 submitters: Pathogenic (1); Likely pathogenic (1). Last evaluated 2018-03-09.

Conditions:
Hartsfield-Bixler-Demyer syndrome (HRTFDS). Also called: FGFR1-Related Hartsfield Syndrome; Hartsfield syndrome; Holoprosencephaly, ectrodactyly, and bilateral cleft lip/palate. Identifiers: Orphanet 2117, MedGen C1845146, MONDO:0014196, OMIM 615465. Disease mechanism: loss of function.

Submissions (2):

Muenke lab, National Institutes of Health
Classification: Pathogenic for Hartsfield-Bixler-Demyer syndrome. Last evaluated: 2018-03-09. Review status: criteria provided, single submitter. Criteria: Submitter's publication. Collection method: research. Allele origin: not applicable. Inheritance: Autosomal dominant inheritance.
Comment: Known disease association; ACMG criteria are met:PM1/PM2/PM4/PM5;PP3. Kinase domain; interferes with kinase activity of receptor dimers in zebrafish.

GeneDx
Classification: Likely pathogenic. Last evaluated: 2017-09-18. Review status: criteria provided, single submitter. Criteria: GeneDx Variant Classification (06012015). Collection method: clinical testing. Allele origin: germline. Affected: yes.
Comment: The c.1604_1606delTGA variant in the FGFR1 gene has not been reported previously as a pathogenic variant nor as a benign variant, to our knowledge. This variant causes an in-frame deletion of codon Methionine 535, denoted p.Met535del. The c.1604_1606delTGA variant is not observed in large population cohorts (Lek et al., 2016). The deleted amino acid is a residue that is conserved across species and within the protein kinase domain. In silico analysis predicts that deletion of this variant is probably damaging to the protein structure/function. We interpret c.1604_1606delTGA as a likely pathogenic variant.